The following is an entry in ClinVar:

ClinVar aggregate classification (germline): Benign/Likely benign. Review status: criteria provided, multiple submitters, no conflicts (2 of 4 stars). 15 submissions from 15 submitters: Benign (2); Likely benign (8). 5 of the submissions do not count toward it. Last evaluated 2026-09-01.

Conditions:
Autosomal recessive polycystic kidney disease (ARPKD). Also called: AR polycystic kidney disease. Identifiers: Orphanet 731, Orphanet 8378, MedGen C0085548, MeSH D017044, MONDO:0009889.
Polycystic kidney disease. Also called: Kidney, Polycystic; Polycystic kidney dysplasia. Identifiers: MedGen C0022680, MeSH D007690, MONDO:0020642, HP:0000113.

Allele frequency attached by ClinVar (database versions not stated): 1000 Genomes Project 30x 0.00094; 1000 Genomes Project 0.00100; ExAC 0.00202; gnomAD exomes 0.00226 and 0.00522; gnomAD 0.00285 and 0.00286; TOPMed 0.00288; ESP Exome Variant Server 0.00454.
gnomAD v4.1: 8,070 of 1,614,222 alleles (0.5%); highest among the groups gnomAD compares: Non-Finnish European, 0.64%; 31 homozygotes.

Submissions (15):

CeGaT Center for Human Genetics Tuebingen
Classification: Likely benign. Last evaluated: 2026-09-01. Review status: criteria provided, single submitter. Criteria: CeGaT Center For Human Genetics Tuebingen Variant Classification Criteria Version 2. Collection method: clinical testing. Allele origin: germline. Affected: yes. Observed: 7 variant alleles.
Comment: PKHD1: BP4, BP7, BS2

Labcorp Genetics (formerly Invitae), Labcorp
Classification: Benign for Autosomal recessive polycystic kidney disease. Last evaluated: 2026-02-02. Review status: criteria provided, single submitter. Criteria: Invitae Variant Classification Sherloc (09022015). Collection method: clinical testing. Allele origin: germline.

Mayo Clinic Laboratories, Mayo Clinic
Classification: Likely benign. Last evaluated: 2025-01-21. Review status: criteria provided, single submitter. Criteria: ACMG Guidelines, 2015. Collection method: clinical testing. Allele origin: germline. Observed: 1 variant allele.
Comment: BS1, BP4, BP7

Blueprint Genetics
Classification: Likely benign. Last evaluated: 2024-11-26. Review status: criteria provided, single submitter. Criteria: ACMG Guidelines, 2015. Collection method: clinical testing. Allele origin: germline.

GeneDx
Classification: Likely benign. Last evaluated: 2020-11-09. Review status: criteria provided, single submitter. Criteria: GeneDx Variant Classification Process June 2021. Collection method: clinical testing. Allele origin: germline. Affected: yes.
Comment: This variant is associated with the following publications: (PMID: 12846734)

Women's Health and Genetics/Laboratory Corporation of America, LabCorp
Classification: Likely benign. Last evaluated: 2020-08-06. Review status: criteria provided, single submitter. Criteria: LabCorp Variant Classification Summary - May 2015. Collection method: clinical testing. Allele origin: germline.

Illumina Laboratory Services, Illumina
Classification: Benign for Polycystic kidney disease 4. Last evaluated: 2017-04-27. Review status: criteria provided, single submitter. Criteria: ICSL Variant Classification Criteria 13 December 2019. Collection method: clinical testing. Allele origin: germline.
Comment: This variant was observed as part of a predisposition screen in an ostensibly healthy population. A literature search was performed for the gene, cDNA change, and amino acid change (where applicable). Publications were found based on this search. The evidence from the literature, in combination with allele frequency data from public databases where available, was sufficient to rule this variant out of causing disease. Therefore, this variant is classified as benign.

Eurofins Ntd Llc (ga)
Classification: Likely benign. Last evaluated: 2015-11-02. Review status: criteria provided, single submitter. Criteria: EGL Classification Definitions 2015. Collection method: clinical testing. Allele origin: germline. Observed: 2 variant alleles, 2 heterozygotes.

Breakthrough Genomics
Classification: Likely benign. Review status: criteria provided, single submitter. Criteria: ACMG Guidelines, 2015. Collection method: not provided. Allele origin: germline. Inheritance: Autosomal recessive inheritance. Affected: yes.

PreventionGenetics, part of Exact Sciences
Classification: Likely benign. Review status: criteria provided, single submitter. Criteria: ACMG Guidelines, 2015. Collection method: clinical testing. Allele origin: germline.

Natera, Inc.
Classification: Likely benign for Autosomal recessive polycystic kidney disease. Last evaluated: 2017-05-11. Review status: no assertion criteria provided. Collection method: clinical testing. Allele origin: germline. Not counted in ClinVar's aggregate classification.

Clinical Genetics DNA and cytogenetics Diagnostics Lab, Erasmus MC, Erasmus Medical Center
Classification: Likely benign. Review status: no assertion criteria provided. Collection method: clinical testing. Allele origin: germline. Affected: yes. Study: VKGL Data-share Consensus. Not counted in ClinVar's aggregate classification.

Department of Pathology and Laboratory Medicine, Sinai Health System
Classification: Likely benign for Polycystic Kidney disease. Review status: no assertion criteria provided. Collection method: clinical testing. Allele origin: unknown. Affected: yes. Study: The Canadian Open Genetics Repository (COGR). Not counted in ClinVar's aggregate classification.
Comment: The PKHD1 p.Val1640= variant was not identified in the literature nor was it identified in the GeneInsight-COGR, LOVD 3.0, databases. The variant was identified in dbSNP (ID: rs142465959) as â€šÃ„ÃºNAâ€šÃ„Ã¹ and ClinVar (benign by Invitae and likely benign by Emory Genetics and Prevention Genetics). The RWTH AAachen University ARPKD database identified a different nucleotide change at the same position, c.4920A>C with the same protein consequence p.Val1640= as a polymorphism. The variant was identified in control databases in 619 of 277084 chromosomes at a frequency of 0.002234, seen in the following populations: European (Non-Finnish) in 521 of 126590 chromosomes (freq. 0.004116), Other in 13 of 6464 chromosomes (freq. 0.002011), Latino in 51 of 34416 chromosomes (freq. 0.001482), African in 21 of 24028 chromosomes (freq. 0.000874), Ashkenazi Jewish in 2 of 10142 chromosomes (freq. 0.0001972), South Asian in 6 of 30782 chromosomes (freq. 0.0001949), and European (Finnish) in 5 of 25792 chromosomes (freq. 0.0001939), but was not seen in the East Asian population, increasing the likelihood this could be a low frequency benign variant in certain populations of origin (Genome Aggregation Consortium Feb 27, 2017). The p.Val1640= variant is not expected to have clinical significance because it does not result in a change of amino acid and is not located in a known consensus splice site. In addition, in silico or computational prediction software programs (SpliceSiteFinder, MaxEntScan, NNSPLICE, GeneSplicer, HumanSpliceFinder) do not predict a difference in splicing. In summary, based on the above information the clinical significance of this variant cannot be determined with certainty at this time although we would lean towards a more benign role for this variant. This variant is classified as likely benign.

Genome Diagnostics Laboratory, University Medical Center Utrecht
Classification: Likely benign. Review status: no assertion criteria provided. Collection method: clinical testing. Allele origin: germline. Affected: yes. Study: VKGL Data-share Consensus. Not counted in ClinVar's aggregate classification.

Laboratory of Diagnostic Genome Analysis, Leiden University Medical Center (LUMC)
Classification: Likely benign. Review status: no assertion criteria provided. Collection method: clinical testing. Allele origin: germline. Affected: yes. Study: VKGL Data-share Consensus. Not counted in ClinVar's aggregate classification.

Literature cited by the submitters: PubMed 12874454 (cited by Illumina Laboratory Services, Illumina).

NM_138694.4(PKHD1):c.4920A>G (p.Val1640=)

Genes: PKHD1 (PKHD1 ciliary IPT domain containing fibrocystin/polyductin; minus strand), LOC126859690 (MED14-independent group 3 enhancer GRCh37_chr6:51888848-51890047; plus strand). Cytogenetic location: 6p12.2.
Variant type: single nucleotide variant.
Coding change: c.4920A>G on transcript NM_138694.4 (MANE Select); coding-DNA position 4920, A replaced by G.
Protein change: p.Val1640=; no amino-acid change (valine 1640 retained).
Molecular consequence: synonymous variant.
Genome position (GRCh38, 1-based): chr6:52,024,890, T>C on the plus strand (A>G on the coding strand, the complement: PKHD1 is on the minus strand). VCF-style: chr6-52024890-T-C. GRCh37 (hg19) VCF-style: chr6-51889688-T-C.
Other names: p.Val1640=; c.4920A>G, p.Val1640= (NM_170724.3).
Identifiers: ClinVar variation 196805 (VCV000196805.57), dbSNP rs142465959, ClinGen allele CA244189.